The following is an entry in ClinVar:

ClinVar aggregate classification (germline): Benign/Likely benign. Review status: criteria provided, multiple submitters, no conflicts (2 of 4 stars). 6 submissions from 6 submitters: Benign (1); Likely benign (4). 1 of the submissions does not count toward it. Last evaluated 2026-09-01.

Conditions:
UQCRC2-related disorder. Also called: UQCRC2-related condition.
Mitochondrial complex III deficiency nuclear type 5. Identifiers: MedGen C3554608, MONDO:0014066, OMIM 615160.

Allele frequency attached by ClinVar (database versions not stated): 1000 Genomes Project 0.00100; 1000 Genomes Project 30x 0.00156; gnomAD 0.00244 and 0.00264; gnomAD exomes 0.00260; ExAC 0.00282; TOPMed 0.00285; ESP Exome Variant Server 0.00300.
gnomAD v4.1: 5,296 of 1,613,562 alleles (0.33%); highest among the groups gnomAD compares: Non-Finnish European, 0.39%; 12 homozygotes.

Submissions (6):

CeGaT Center for Human Genetics Tuebingen
Classification: Likely benign. Last evaluated: 2026-09-01. Review status: criteria provided, single submitter. Criteria: CeGaT Center For Human Genetics Tuebingen Variant Classification Criteria Version 2. Collection method: clinical testing. Allele origin: germline. Affected: yes. Observed: 4 variant alleles.
Comment: UQCRC2: BP4, BS2

Labcorp Genetics (formerly Invitae), Labcorp
Classification: Likely benign. Last evaluated: 2026-01-18. Review status: criteria provided, single submitter. Criteria: Invitae Variant Classification Sherloc (09022015). Collection method: clinical testing. Allele origin: germline.

Mayo Clinic Laboratories, Mayo Clinic
Classification: Benign. Last evaluated: 2024-12-03. Review status: criteria provided, single submitter. Criteria: ACMG Guidelines, 2015. Collection method: clinical testing. Allele origin: germline. Observed: 3 variant alleles.
Comment: BA1, BP4

Fulgent Genetics
Classification: Likely benign for Mitochondrial complex III deficiency nuclear type 5. Last evaluated: 2021-09-15. Review status: criteria provided, single submitter. Criteria: ACMG Guidelines, 2015. Collection method: clinical testing. Allele origin: unknown.

GeneDx
Classification: Likely benign. Last evaluated: 2021-05-12. Review status: criteria provided, single submitter. Criteria: GeneDx Variant Classification Process June 2021. Collection method: clinical testing. Allele origin: germline. Affected: yes.

PreventionGenetics, part of Exact Sciences
Classification: Benign for UQCRC2-related condition. Last evaluated: 2019-05-08. Review status: no assertion criteria provided. Collection method: clinical testing. Allele origin: germline. Not counted in ClinVar's aggregate classification.
Comment: This variant is classified as benign based on ACMG/AMP sequence variant interpretation guidelines (Richards et al. 2015 PMID: 25741868, with internal and published modifications).

NM_003366.4(UQCRC2):c.953A>C (p.Gln318Pro)

Genes: PDZD9 (PDZ domain containing 9), UQCRC2 (ubiquinol-cytochrome c reductase core protein 2). Cytogenetic location: 16p12.2.
Variant type: single nucleotide variant.
Coding change: c.953A>C on transcript NM_003366.4 (MANE Select); coding-DNA position 953, A replaced by C.
Protein change: p.Gln318Pro; replaces glutamine 318 with proline.
Molecular consequence: missense variant.
Genome position (GRCh38, 1-based): chr16:21,972,109, A>C. VCF-style: chr16-21972109-A-C. GRCh37 (hg19) VCF-style: chr16-21983430-A-C.
Other names: p.Gln318Pro; short protein forms Q318P.
Identifiers: ClinVar variation 775106 (VCV000775106.17), dbSNP rs146974535, ClinGen allele CA7953893.
Genomic context (GRCh38, chr16:21,972,109, plus strand): 5'-ATGTCAAGAGGGGCAGCAACACCACCAGCCATCTGCACCAGGCTGTTGCCAAGGCAACTC[A>C]GCAGCCATTTGATGTGAGTCTGAACAGTTGGTATCTCTCTTTTTGCTTTCAAAGGCTCAG-3'
Protein context (NP_003357.2, residues 308-328): HLHQAVAKAT[Gln318Pro]QPFDVSAFNA